The following is an entry in ClinVar:

ClinVar aggregate classification (germline): Pathogenic. Review status: criteria provided, multiple submitters, no conflicts (2 of 4 stars). 2 submissions from 2 submitters: Pathogenic (2). Last evaluated 2024-03-02.

Conditions:
Familial adenomatous polyposis 1 (FAP1). Also called: FAMILIAL ADENOMATOUS POLYPOSIS 1, ATTENUATED; POLYPOSIS, ADENOMATOUS INTESTINAL. Identifiers: MedGen C2713442, MONDO:0021056, OMIM 175100. Disease mechanism: loss of function.

Submissions (2):

Labcorp Genetics (formerly Invitae), Labcorp
Classification: Pathogenic for Familial adenomatous polyposis 1. Last evaluated: 2024-03-02. Review status: criteria provided, single submitter. Criteria: Invitae Variant Classification Sherloc (09022015). Collection method: clinical testing. Allele origin: germline.
Comment: This sequence change creates a premature translational stop signal (p.Tyr6*) in the APC gene. It is expected to result in an absent or disrupted protein product. Loss-of-function variants in APC are known to be pathogenic (PMID: 17963004, 20685668). This variant is not present in population databases (gnomAD no frequency). This variant has not been reported in the literature in individuals affected with APC-related conditions. ClinVar contains an entry for this variant (Variation ID: 2584327). For these reasons, this variant has been classified as Pathogenic.

Myriad Genetics, Inc.
Classification: Pathogenic for Familial adenomatous polyposis 1. Last evaluated: 2023-04-24. Review status: criteria provided, single submitter. Criteria: Myriad Autosomal Dominant, Autosomal Recessive and X-Linked Classification Criteria (2023). Collection method: clinical testing. Allele origin: unknown.
Comment: This variant is considered pathogenic. This variant creates a termination codon and is predicted to result in premature protein truncation.

Literature cited by the submitters: PubMed 17963004 (cited by Labcorp Genetics (formerly Invitae), Labcorp); PubMed 20685668 (cited by Labcorp Genetics (formerly Invitae), Labcorp).

NM_000038.6(APC):c.18T>G (p.Tyr6Ter)

Gene: APC (APC regulator of Wnt signaling pathway; plus strand). Cytogenetic location: 5q22.2.
Variant type: single nucleotide variant.
Coding change: c.18T>G on transcript NM_000038.6 (MANE Select); coding-DNA position 18, T replaced by G.
Protein change: p.Tyr6Ter; replaces tyrosine 6 with a stop codon.
Molecular consequence: nonsense. On other transcripts: 5 prime UTR variant (4), non-coding transcript variant (2), intron variant (11).
Genome position (GRCh38, 1-based): chr5:112,754,908, T>G. VCF-style: chr5-112754908-T-G. GRCh37 (hg19) VCF-style: chr5-112090605-T-G.
Other names: c.18T>G, p.Tyr6Ter (NM_001127510.3, NM_001354895.2, NM_001354896.2 and 16 more transcripts); c.-1018T>G (NM_001354906.2, NM_001407470.1, NM_001407471.1 and 1 more transcripts); c.166-11418T>G (NM_001407446.1, NM_001354897.2, NM_001354902.2 and 1 more transcripts); c.-42-11418T>G (NM_001407453.1, NM_001354900.2, NM_001354901.2 and 1 more transcripts); c.61-11418T>G (NM_001407451.1, NM_001354898.2, NM_001354904.2); short protein forms Y6*.
Identifiers: ClinVar variation 2584327 (VCV002584327.4), dbSNP rs786202301, ClinGen allele CA16021372.